The following is an entry in ClinVar:

NM_002907.4(RECQL):c.118A>G (p.Lys40Glu)

Gene: RECQL (RecQ like helicase; minus strand). Cytogenetic location: 12p12.1.
Variant type: single nucleotide variant.
Coding change: c.118A>G on transcript NM_002907.4 (MANE Select); coding-DNA position 118, A replaced by G.
Protein change: p.Lys40Glu; replaces lysine 40 with glutamic acid.
Molecular consequence: missense variant.
Genome position (GRCh38, 1-based): chr12:21,491,615, T>C on the plus strand (A>G on the coding strand, the complement: RECQL is on the minus strand). VCF-style: chr12-21491615-T-C. GRCh37 (hg19) VCF-style: chr12-21644549-T-C.
Other names: c.118A>G, p.Lys40Glu (NM_032941.3); short protein forms K40E.
Identifiers: ClinVar variation 1441036 (VCV001441036.11), dbSNP rs138424869, ClinGen allele CA6479201.

ClinVar aggregate classification (germline): Uncertain significance. Review status: criteria provided, multiple submitters, no conflicts (2 of 4 stars). 2 submissions from 2 submitters: Uncertain significance (2). Last evaluated 2025-09-20.

Allele frequency attached by ClinVar (database versions not stated): gnomAD exomes below 0.00001 and 0.00001; ExAC 0.00001; gnomAD 0.00003 and 0.00004; TOPMed 0.00004; ESP Exome Variant Server 0.00008.
gnomAD v4.1: 9 of 1,614,002 alleles (0.00056%); highest among the groups gnomAD compares: African/African-American, 0.0093%; no homozygotes.

Submissions (2):

Labcorp Genetics (formerly Invitae), Labcorp
Classification: Uncertain significance. Last evaluated: 2025-09-20. Review status: criteria provided, single submitter. Criteria: Invitae Variant Classification Sherloc (09022015). Collection method: clinical testing. Allele origin: germline.
Comment: This sequence change replaces lysine, which is basic and polar, with glutamic acid, which is acidic and polar, at codon 40 of the RECQL protein (p.Lys40Glu). This variant is present in population databases (rs138424869, gnomAD 0.03%). This variant has not been reported in the literature in individuals affected with RECQL-related conditions. ClinVar contains an entry for this variant (Variation ID: 1441036). An algorithm developed to predict the effect of missense changes on protein structure and function (PolyPhen-2) suggests that this variant is likely to be tolerated. In summary, the available evidence is currently insufficient to determine the role of this variant in disease. Therefore, it has been classified as a Variant of Uncertain Significance.

Ambry Genetics
Classification: Uncertain significance. Last evaluated: 2025-08-29. Review status: criteria provided, single submitter. Criteria: Ambry Variant Classification Scheme 2023. Collection method: clinical testing. Allele origin: germline.